The following is an entry in ClinVar:

ClinVar aggregate classification (germline): Likely benign. Review status: criteria provided, multiple submitters, no conflicts (2 of 4 stars). 2 submissions from 2 submitters: Likely benign (2). Last evaluated 2019-06-21.

Conditions:
Xeroderma pigmentosum group B. Also called: XPB/CS; XERODERMA PIGMENTOSUM B/COCKAYNE SYNDROME; ERCC3-Related Xeroderma Pigmentosum; XP, GROUP B. Identifiers: MedGen C0268136, MONDO:0012531, OMIM 610651.

Allele frequency attached by ClinVar (database versions not stated): gnomAD exomes 0.00085; gnomAD 0.00847 and 0.00895; TOPMed 0.00936; 1000 Genomes Project 0.01278; 1000 Genomes Project 30x 0.01327.
gnomAD v4.1: 2,466 of 1,454,330 alleles (0.17%); highest among the groups gnomAD compares: African/African-American, 3%; 31 homozygotes.

Submissions (2):

GeneDx
Classification: Likely benign. Last evaluated: 2019-06-21. Review status: criteria provided, single submitter. Criteria: GeneDx Variant Classification Process June 2021. Collection method: clinical testing. Allele origin: germline. Affected: yes.

Illumina Laboratory Services, Illumina
Classification: Likely benign for Xeroderma pigmentosum group B. Last evaluated: 2017-04-27. Review status: criteria provided, single submitter. Criteria: ICSL Variant Classification Criteria 13 December 2019. Collection method: clinical testing. Allele origin: germline.
Comment: This variant was observed as part of a predisposition screen in an ostensibly healthy population. A literature search was performed for the gene, cDNA change, and amino acid change (where applicable). No publications were found based on this search. Allele frequency data from public databases allowed determination this variant is unlikely to cause disease. Therefore, this variant is classified as likely benign.

NM_000122.2(ERCC3):c.*106T>C

Gene: ERCC3 (ERCC excision repair 3, TFIIH core complex helicase subunit; minus strand). Cytogenetic location: 2q14.3.
Variant type: single nucleotide variant.
Coding change: c.*106T>C on transcript NM_000122.2 (MANE Select); 106 bases downstream of the stop codon, T replaced by C.
Molecular consequence: 3 prime UTR variant.
Genome position (GRCh38, 1-based): chr2:127,257,490, A>G on the plus strand (T>C on the coding strand, the complement: ERCC3 is on the minus strand). VCF-style: chr2-127257490-A-G. GRCh37 (hg19) VCF-style: chr2-128015066-A-G.
Other names: c.*106T>C (NM_001303416.2, NM_001303418.2).
Identifiers: ClinVar variation 331071 (VCV000331071.8), dbSNP rs4150524, ClinGen allele CA10610731.
Genomic context (GRCh38, chr2:127,257,490, plus strand): 5'-AGATGACCTATGAAGGCACAGCCAAGCCCTTGATGCATCTTCCTCAGCACAATTTGGCCA[A>G]CGCTGGAGGGAAGGTCAAAGAGGTGGAAGGAAAATGTTATGCTGAAAATCCCTTTCCAAC-3'